The following is an entry in ClinVar:

NM_004415.4(DSP):c.4835T>C (p.Ile1612Thr)

Gene: DSP (desmoplakin; plus strand). Cytogenetic location: 6p24.3.
Variant type: single nucleotide variant.
Coding change: c.4835T>C on transcript NM_004415.4 (MANE Select); coding-DNA position 4835, T replaced by C.
Protein change: p.Ile1612Thr; replaces isoleucine 1612 with threonine.
Molecular consequence: missense variant. On other transcripts: intron variant (2).
Genome position (GRCh38, 1-based): chr6:7,581,025, T>C. VCF-style: chr6-7581025-T-C. GRCh37 (hg19) VCF-style: chr6-7581258-T-C.
Other names: c.4835T>C (LRG_423t1); c.4050+785T>C (NM_001319034.2); c.3582+1253T>C (NM_001008844.3); short protein forms I1612T.
Identifiers: ClinVar variation 644012 (VCV000644012.11), dbSNP rs1581818435, ClinGen allele CA362687262.
Genomic context (GRCh38, chr6:7,581,025, plus strand): 5'-AGAAGCTGGAGGAAGAGCTGGAAGGCATGAGGAGGTCGCTGAAGGAGCAAGCCATCAAAA[T>C]CACCAACCTGACCCAGCAGCTGGAGCAGGCATCCATTGTTAAGAAGAGGAGTGAGGATGA-3'
Protein context (NP_004406.2, residues 1602-1622): RRSLKEQAIK[Ile1612Thr]TNLTQQLEQA

ClinVar aggregate classification (germline): Uncertain significance. Review status: criteria provided, multiple submitters, no conflicts (2 of 4 stars). 5 submissions from 5 submitters: Uncertain significance (5). Last evaluated 2025-06-07.

Conditions:
Cardiomyopathy (CMYO). Also called: Cardiomyopathies. Identifiers: Orphanet 167848, MedGen C0878544, MONDO:0004994, HP:0001638. Inheritance: Various modes of inheritance.
Arrhythmogenic cardiomyopathy with wooly hair and keratoderma. Also called: Dilated cardiomyopathy with woolly hair and keratoderma; Arrhythmogenic cardiomyopathy with woolly hair and keratoderma; PALMOPLANTAR KERATODERMA WITH LEFT VENTRICULAR CARDIOMYOPATHY AND WOOLLY HAIR; Carvajal syndrome. Identifiers: Orphanet 65282, MedGen C1854063, MONDO:0011581, OMIM 605676.
Cardiovascular phenotype. Identifiers: MedGen CN230736.
Lethal acantholytic epidermolysis bullosa (EBLA). Identifiers: Orphanet 158687, MedGen C1864826, MONDO:0012323, OMIM 609638.
Arrhythmogenic right ventricular dysplasia 8 (ARVD8). Also called: ARRHYTHMOGENIC RIGHT VENTRICULAR DYSPLASIA, FAMILIAL, 8; ARRHYTHMOGENIC RIGHT VENTRICULAR CARDIOMYOPATHY 8; Arrhythmogenic Right Ventricular Dysplasia/Cardiomyopathy 8. Identifiers: MedGen C1843896, MONDO:0011831, OMIM 607450.
Cardiomyopathy, dilated, with wooly hair, keratoderma, and tooth agenesis. Also called: Cardiomyopathy, dilated, with woolly hair, keratoderma, and tooth agenesis; Erythrokeratodermia-cardiomyopathy syndrome. Identifiers: Orphanet 476096, Orphanet 65282, MedGen C4014393, MONDO:0014355, OMIM 615821.
Keratosis palmoplantaris striata 2. Also called: KERATODERMA, PALMOPLANTAR, STRIATE FORM II; STRIATE PALMOPLANTAR KERATODERMA II; Keratosis palmoplantaris striata II. Identifiers: MedGen C1852127, MONDO:0013034, OMIM 612908.
Woolly hair-skin fragility syndrome (WHSF). Identifiers: Orphanet 293165, MedGen C1843292, MONDO:0957307, OMIM 620415.

Allele frequency attached by ClinVar (database versions not stated): gnomAD exomes below 0.00001.
gnomAD v4.1: 2 of 1,613,952 alleles (0.00012%); highest among the groups gnomAD compares: Non-Finnish European, 0.00017%; no homozygotes.

Submissions (5):

Ambry Genetics
Classification: Uncertain significance for Cardiovascular phenotype. Last evaluated: 2025-06-07. Review status: criteria provided, single submitter. Criteria: Ambry Variant Classification Scheme 2023. Collection method: clinical testing. Allele origin: germline.
Comment: The p.I1612T variant (also known as c.4835T>C), located in coding exon 23 of the DSP gene, results from a T to C substitution at nucleotide position 4835. The isoleucine at codon 1612 is replaced by threonine, an amino acid with similar properties. This amino acid position is conserved. In addition, the in silico prediction for this alteration is inconclusive. Since supporting evidence is limited at this time, the clinical significance of this alteration remains unclear.

All of Us Research Program, National Institutes of Health
Classification: Uncertain significance for Arrhythmogenic cardiomyopathy with wooly hair and keratoderma. Last evaluated: 2023-12-18. Review status: criteria provided, single submitter. Criteria: ACMG Guidelines, 2015. Collection method: clinical testing. Allele origin: germline. Inheritance: Autosomal dominant inheritance. Observed: 5 variant alleles, 5 heterozygotes.
Comment: This missense variant replaces isoleucine with threonine at codon 1612 of the DSP protein. Computational prediction suggests that this variant may not impact protein structure and function (internally defined REVEL score threshold <= 0.5, PMID: 27666373). To our knowledge, functional studies have not been reported for this variant. This variant has not been reported in individuals affected with DSP-related disorders in the literature. This variant has not been identified in the general population by the Genome Aggregation Database (gnomAD). The available evidence is insufficient to determine the role of this variant in disease conclusively. Therefore, this variant is classified as a Variant of Uncertain Significance.

This study involves interpretation of variants in research participants for the purpose of population health screening. Participant phenotype was not available at the time of variant classification. Additional details can be found in publication PMID: 35346344, PMCID: PMC8962531

Color Diagnostics, LLC DBA Color Health
Classification: Uncertain significance for Cardiomyopathy. Last evaluated: 2023-11-29. Review status: criteria provided, single submitter. Criteria: ACMG Guidelines, 2015. Collection method: clinical testing. Allele origin: germline.
Comment: This missense variant replaces isoleucine with threonine at codon 1612 of the DSP protein. Computational prediction suggests that this variant may not impact protein structure and function. To our knowledge, functional studies have not been reported for this variant. This variant has not been reported in individuals affected with DSP-related disorders in the literature. This variant has not been identified in the general population by the Genome Aggregation Database (gnomAD). The available evidence is insufficient to determine the role of this variant in disease conclusively. Therefore, this variant is classified as a Variant of Uncertain Significance.

Labcorp Genetics (formerly Invitae), Labcorp
Classification: Uncertain significance for Arrhythmogenic cardiomyopathy with wooly hair and keratoderma; Arrhythmogenic right ventricular dysplasia 8. Last evaluated: 2022-05-17. Review status: criteria provided, single submitter. Criteria: Invitae Variant Classification Sherloc (09022015). Collection method: clinical testing. Allele origin: germline.
Comment: This sequence change replaces isoleucine, which is neutral and non-polar, with threonine, which is neutral and polar, at codon 1612 of the DSP protein (p.Ile1612Thr). This variant is not present in population databases (gnomAD no frequency). This variant has not been reported in the literature in individuals affected with DSP-related conditions. ClinVar contains an entry for this variant (Variation ID: 644012). Algorithms developed to predict the effect of missense changes on protein structure and function are either unavailable or do not agree on the potential impact of this missense change (SIFT: "Deleterious"; PolyPhen-2: "Benign"; Align-GVGD: "Class C65"). In summary, the available evidence is currently insufficient to determine the role of this variant in disease. Therefore, it has been classified as a Variant of Uncertain Significance.

Fulgent Genetics
Classification: Uncertain significance for Arrhythmogenic cardiomyopathy with wooly hair and keratoderma; Arrhythmogenic right ventricular dysplasia 8; Lethal acantholytic epidermolysis bullosa; Keratosis palmoplantaris striata 2; Cardiomyopathy, dilated, with wooly hair, keratoderma, and tooth agenesis. Last evaluated: 2021-10-13. Review status: criteria provided, single submitter. Criteria: ACMG Guidelines, 2015. Collection method: clinical testing. Allele origin: unknown.